The following is an entry in ClinVar:

ClinVar aggregate classification (germline): Uncertain significance. Review status: criteria provided, multiple submitters, no conflicts (2 of 4 stars). 6 submissions from 6 submitters: Uncertain significance (4). 2 of the submissions do not count toward it. Last evaluated 2025-08-11.

Conditions:
Charcot-Marie-Tooth disease type 4A. Also called: Charcot-Marie-Tooth disease, demyelinating, autosomal recessive, type 4a. Identifiers: Orphanet 99948, MedGen C1859198, MONDO:0008961, OMIM 214400.
Charcot-Marie-Tooth disease. Also called: Charcot-Marie-Tooth Hereditary Neuropathy; Charcot-Marie-Tooth Neuropathy. Identifiers: Orphanet 166, MedGen C0007959, MONDO:0015626.
Inborn genetic diseases. Identifiers: MedGen C0950123, MeSH D030342.
Charcot-Marie-Tooth disease axonal type 2K (CMT2K). Also called: Charcot-Marie-Tooth disease type 2K; CHARCOT-MARIE-TOOTH DISEASE, AXONAL, AUTOSOMAL RECESSIVE, TYPE 2K; CHARCOT-MARIE-TOOTH NEUROPATHY, AXONAL, TYPE 2K. Identifiers: Orphanet 101097, Orphanet 99944, MedGen C1842983, MONDO:0011916, OMIM 607831.

Submissions (6):

Labcorp Genetics (formerly Invitae), Labcorp
Classification: Uncertain significance for Charcot-Marie-Tooth disease type 4A. Last evaluated: 2025-08-11. Review status: criteria provided, single submitter. Criteria: Invitae Variant Classification Sherloc (09022015). Collection method: clinical testing. Allele origin: germline.
Comment: This sequence change falls in intron 2 of the GDAP1 gene. It does not directly change the encoded amino acid sequence of the GDAP1 protein. It affects a nucleotide within the consensus splice site. This variant is not present in population databases (gnomAD no frequency). This variant has been observed in individual(s) with clinical features of hereditary motor and sensory neuropathy type 4A (PMID: 21322820). ClinVar contains an entry for this variant (Variation ID: 637124). Variants that disrupt the consensus splice site are a relatively common cause of aberrant splicing (PMID: 17576681, 9536098). Algorithms developed to predict the effect of sequence changes on RNA splicing suggest that this variant may disrupt the consensus splice site. In summary, the available evidence is currently insufficient to determine the role of this variant in disease. Therefore, it has been classified as a Variant of Uncertain Significance.

Women's Health and Genetics/Laboratory Corporation of America, LabCorp
Classification: Uncertain significance. Last evaluated: 2025-01-22. Review status: criteria provided, single submitter. Criteria: LabCorp Variant Classification Summary - May 2015. Collection method: clinical testing. Allele origin: germline.
Comment: Variant summary: GDAP1 c.310+3A>G alters a conserved nucleotide located close to a canonical splice site and therefore could affect mRNA splicing, leading to a significantly altered protein sequence. Several computational tools predict a significant impact on normal splicing: One predict the variant weakens a 5' donor site. One predict the variant abolishes a 5' splicing donor site. However, these predictions have yet to be confirmed by functional studies. The variant was absent in 251448 control chromosomes. The available data on variant occurrences in the general population are insufficient to allow any conclusion about variant significance. To our knowledge, no occurrence of c.310+3A>G in individuals affected with Charcot-Marie-Tooth disease type 4A and no experimental evidence demonstrating its impact on protein function have been reported. ClinVar contains an entry for this variant (Variation ID: 637124). Based on the evidence outlined above, the variant was classified as uncertain significance.

Athena Diagnostics
Classification: Uncertain significance. Last evaluated: 2023-06-26. Review status: criteria provided, single submitter. Criteria: Athena Diagnostics Criteria. Collection method: clinical testing. Allele origin: unknown.
Comment: Available data are insufficient to determine the clinical significance of the variant at this time. This variant has not been reported in large, multi-ethnic general populations. Computational tools yielded inconclusive predictions regarding the effect of this variant on RNA splicing.

Ambry Genetics
Classification: Uncertain significance for Inborn genetic diseases. Last evaluated: 2021-08-06. Review status: criteria provided, single submitter. Criteria: Ambry Variant Classification Scheme 2023. Collection method: clinical testing. Allele origin: germline.
Comment: The c.310+3A>G intronic variant results from an A to G substitution 3 nucleotides after coding exon 2 in the GDAP1 gene. This nucleotide position is well conserved in available vertebrate species. In silico splice site analysis predicts that this alteration will weaken the native splice donor site. Since supporting evidence is limited at this time, the clinical significance of this alteration remains unclear.

Inherited Neuropathy Consortium Ii, University Of Miami
Classification: Uncertain significance for Charcot-Marie-Tooth disease axonal type 2K. Last evaluated: 2016-01-06. Review status: no assertion criteria provided. Collection method: literature only. Allele origin: germline. Affected: yes. Not counted in ClinVar's aggregate classification.

Inherited Neuropathy Consortium
Classification: Uncertain significance for Charcot-Marie-Tooth disease. Review status: no assertion criteria provided. Collection method: literature only. Allele origin: germline. Affected: yes. Not counted in ClinVar's aggregate classification.

Literature cited by the submitters: PubMed 21322820 (cited by 4 submitters); PubMed 17576681 (cited by Labcorp Genetics (formerly Invitae), Labcorp); PubMed 9536098 (cited by Labcorp Genetics (formerly Invitae), Labcorp).

NM_018972.4(GDAP1):c.310+3A>G

Gene: GDAP1 (ganglioside induced differentiation associated protein 1; plus strand). Cytogenetic location: 8q21.11.
Variant type: single nucleotide variant.
Coding change: c.310+3A>G on transcript NM_018972.4 (MANE Select); 3 bases into the intron after coding-DNA position 310, A replaced by G.
Molecular consequence: intron variant.
Genome position (GRCh38, 1-based): chr8:74,351,469, A>G. VCF-style: chr8-74351469-A-G. GRCh37 (hg19) VCF-style: chr8-75263704-A-G.
Other names: c.310+3A>G (NM_001362931.2, NM_001362930.2); c.-18+148A>G (NM_001362929.2); c.-18+891A>G (NM_001362932.2); c.106+3A>G (NM_001040875.4).
Identifiers: ClinVar variation 637124 (VCV000637124.9), dbSNP rs1586795495, ClinGen allele CA915945742.